The following is an entry in ClinVar:

ClinVar aggregate classification (germline): Uncertain significance (1 of 4 stars; one submission).

Conditions:
Paroxysmal nonkinesigenic dyskinesia. Also called: Paroxysmal non-kinesigenic dyskinesia. Identifiers: Orphanet 98810, MedGen C1869117, MONDO:0700088.

Submission:

Labcorp Genetics (formerly Invitae), Labcorp
Classification: Uncertain significance for Paroxysmal nonkinesigenic dyskinesia. Last evaluated: 2024-09-26. Review status: criteria provided, single submitter. Criteria: Invitae Variant Classification Sherloc (09022015). Collection method: clinical testing. Allele origin: germline.
Comment: This sequence change replaces glutamic acid, which is acidic and polar, with aspartic acid, which is acidic and polar, at codon 269 of the PNKD protein (p.Glu269Asp). This variant is not present in population databases (gnomAD no frequency). This variant has not been reported in the literature in individuals affected with PNKD-related conditions. Invitae Evidence Modeling of protein sequence and biophysical properties (such as structural, functional, and spatial information, amino acid conservation, physicochemical variation, residue mobility, and thermodynamic stability) indicates that this missense variant is not expected to disrupt PNKD protein function with a negative predictive value of 80%. In summary, the available evidence is currently insufficient to determine the role of this variant in disease. Therefore, it has been classified as a Variant of Uncertain Significance.

NM_015488.5(PNKD):c.807G>C (p.Glu269Asp)

Genes: CATIP-AS2 (CATIP antisense RNA 2; minus strand), PNKD (PNKD metallo-beta-lactamase domain containing; plus strand). Cytogenetic location: 2q35.
Variant type: single nucleotide variant.
Coding change: c.807G>C on transcript NM_015488.5 (MANE Select); coding-DNA position 807, G replaced by C.
Protein change: p.Glu269Asp; replaces glutamic acid 269 with aspartic acid.
Molecular consequence: missense variant.
Genome position (GRCh38, 1-based): chr2:218,343,525, G>C. VCF-style: chr2-218343525-G-C. GRCh37 (hg19) VCF-style: chr2-219208248-G-C.
Other names: c.735G>C, p.Glu245Asp (NM_022572.5); short protein forms E269D, E245D.
Identifiers: ClinVar variation 3672984 (VCV003672984.2).
Genomic context (GRCh38, chr2:218,343,525, plus strand): 5'-GGCACCTTGTGACATACCCTCCAACCCCCACCCAGGGCGGACCTTTGAGGGCAATGCAGA[G>C]ACCATGCTGAGCTCACTGGACACTGTGCTGGGGCTAGGGGATGACACCCTTCTGTGGCCT-3'
Protein context (NP_056303.3, residues 259-279): GCGRTFEGNA[Glu269Asp]TMLSSLDTVL